The following is an entry in ClinVar:

ClinVar aggregate classification (germline): Conflicting classifications of pathogenicity. Review status: criteria provided, conflicting classifications (1 of 4 stars). 4 submissions from 4 submitters: Uncertain significance (1); Likely benign (3). Last evaluated 2024-11-25.

Conditions:
Inborn genetic diseases. Identifiers: MedGen C0950123, MeSH D030342.
KDM5C-related disorder. Also called: KDM5C-related condition.

Submissions (4):

Blueprint Genetics
Classification: Likely benign. Last evaluated: 2024-11-25. Review status: criteria provided, single submitter. Criteria: ACMG Guidelines, 2015. Collection method: clinical testing. Allele origin: germline.

PreventionGenetics, part of Exact Sciences
Classification: Likely benign for KDM5C-related condition. Last evaluated: 2023-12-20. Review status: criteria provided, single submitter. Criteria: ACMG Guidelines, 2015. Collection method: clinical testing. Allele origin: germline.
Comment: This variant is classified as likely benign based on ACMG/AMP sequence variant interpretation guidelines (Richards et al. 2015 PMID: 25741868, with internal and published modifications).

CeGaT Center for Human Genetics Tuebingen
Classification: Likely benign. Last evaluated: 2023-08-01. Review status: criteria provided, single submitter. Criteria: CeGaT Center For Human Genetics Tuebingen Variant Classification Criteria Version 2. Collection method: clinical testing. Allele origin: germline. Affected: yes. Observed: 2 variant alleles.
Comment: KDM5C: BP4

Ambry Genetics
Classification: Uncertain significance for Inborn genetic diseases. Last evaluated: 2022-05-09. Review status: criteria provided, single submitter. Criteria: Ambry Variant Classification Scheme 2023. Collection method: clinical testing. Allele origin: germline.
Comment: The c.4047-6G>C intronic alteration consists of a G to C substitution 6 nucleotides before coding exon 24 in the KDM5C gene. Based on insufficient or conflicting evidence, the clinical significance of this alteration remains unclear.

NM_004187.5(KDM5C):c.*124G>C

Gene: KDM5C (lysine demethylase 5C; minus strand). Cytogenetic location: Xp11.22.
Variant type: single nucleotide variant.
Coding change: c.*124G>C on transcript NM_004187.5 (MANE Select); 124 bases downstream of the stop codon, G replaced by C.
Molecular consequence: 3 prime UTR variant. On other transcripts: intron variant (5).
Genome position (GRCh38, 1-based): chrX:53,192,843, C>G on the plus strand (G>C on the coding strand, the complement: KDM5C is on the minus strand). VCF-style: chrX-53192843-C-G. GRCh37 (hg19) VCF-style: chrX-53222025-C-G.
Other names: c.*124G>C (NM_001282622.3, NM_001353978.3); c.4305+594G>C (NM_001353982.2); c.4314+594G>C (NM_001353979.2); c.4308+594G>C (NM_001353981.2, NM_001353984.2); c.4047-6G>C (NM_001146702.2).
Identifiers: ClinVar variation 2283519 (VCV002283519.29), dbSNP rs781897787, ClinGen allele CA915940675.